The following is an entry in ClinVar:

NM_016203.4(PRKAG2):c.404C>A (p.Ser135Tyr)

Gene: PRKAG2 (protein kinase AMP-activated non-catalytic subunit gamma 2; minus strand). Cytogenetic location: 7q36.1.
Variant type: single nucleotide variant.
Coding change: c.404C>A on transcript NM_016203.4 (MANE Select); coding-DNA position 404, C replaced by A.
Protein change: p.Ser135Tyr; replaces serine 135 with tyrosine.
Molecular consequence: missense variant. On other transcripts: intron variant (1).
Genome position (GRCh38, 1-based): chr7:151,781,214, G>T on the plus strand (C>A on the coding strand, the complement: PRKAG2 is on the minus strand). VCF-style: chr7-151781214-G-T. GRCh37 (hg19) VCF-style: chr7-151478300-G-T.
Other names: c.272C>A, p.Ser91Tyr (NM_001040633.2, NM_001407024.1, NM_001407026.1 and 2 more transcripts); c.404C>A, p.Ser135Tyr (NM_001407021.1, NM_001407022.1, NM_001407023.1 and 2 more transcripts); c.148+33202C>A (NM_001407032.1); short protein forms S135Y, S91Y.
Identifiers: ClinVar variation 3769324 (VCV003769324.2).

ClinVar aggregate classification (germline): Uncertain significance (1 of 4 stars; one submission).

Submission:

Women's Health and Genetics/Laboratory Corporation of America, LabCorp
Classification: Uncertain significance. Last evaluated: 2025-01-02. Review status: criteria provided, single submitter. Criteria: LabCorp Variant Classification Summary - May 2015. Collection method: clinical testing. Allele origin: germline.
Comment: Variant summary: PRKAG2 c.404C>A (p.Ser135Tyr) results in a non-conservative amino acid change in the encoded protein sequence. Four of five in-silico tools predict a damaging effect of the variant on protein function. The variant was absent in 251292 control chromosomes. The available data on variant occurrences in the general population are insufficient to allow any conclusion about variant significance. To our knowledge, no occurrence of c.404C>A in individuals affected with Cardiomyopathy and no experimental evidence demonstrating its impact on protein function have been reported. No submitters have cited clinical-significance assessments for this variant to ClinVar. Based on the evidence outlined above, the variant was classified as uncertain significance.